The following is an entry in ClinVar:

NM_000359.3(TGM1):c.1100G>A (p.Arg367His)

Gene: TGM1 (transglutaminase 1; minus strand). Cytogenetic location: 14q12.
Variant type: single nucleotide variant.
Coding change: c.1100G>A on transcript NM_000359.3 (MANE Select); coding-DNA position 1100, G replaced by A.
Protein change: p.Arg367His; replaces arginine 367 with histidine.
Molecular consequence: missense variant.
Genome position (GRCh38, 1-based): chr14:24,259,134, C>T on the plus strand (G>A on the coding strand, the complement: TGM1 is on the minus strand). VCF-style: chr14-24259134-C-T. GRCh37 (hg19) VCF-style: chr14-24728340-C-T.
Other names: short protein forms R367H.
Identifiers: ClinVar variation 2364635 (VCV002364635.3), dbSNP rs139949065, ClinGen allele CA7131193.

ClinVar aggregate classification (germline): Uncertain significance. Review status: criteria provided, multiple submitters, no conflicts (2 of 4 stars). 2 submissions from 2 submitters: Uncertain significance (2). Last evaluated 2026-03-26.

Conditions:
Inborn genetic diseases. Identifiers: MedGen C0950123, MeSH D030342.

Allele frequency attached by ClinVar (database versions not stated): gnomAD exomes 0.00004; ExAC 0.00007; gnomAD 0.00004; ESP Exome Variant Server 0.00023.
gnomAD v4.1: 69 of 1,614,024 alleles (0.0043%); highest among the groups gnomAD compares: South Asian, 0.018%; 1 homozygote.

Submissions (2):

GeneDx
Classification: Uncertain significance. Last evaluated: 2026-03-26. Review status: criteria provided, single submitter. Criteria: GeneDx Variant Classification Process June 2021. Collection method: clinical testing. Allele origin: germline.
Comment: In silico analysis suggests that this missense variant does not alter protein structure/function; Has not been previously published as pathogenic or benign to our knowledge

Ambry Genetics
Classification: Uncertain significance for Inborn genetic diseases. Last evaluated: 2021-09-16. Review status: criteria provided, single submitter. Criteria: Ambry Variant Classification Scheme 2023. Collection method: clinical testing. Allele origin: germline.